The following is an entry in ClinVar:

NM_001199267.2(DGKZ):c.162-364G>C

Gene: DGKZ (diacylglycerol kinase zeta; plus strand). Cytogenetic location: 11p11.2.
Variant type: single nucleotide variant.
Coding change: c.162-364G>C on transcript NM_001199267.2 (MANE Select); 364 bases into the intron before coding-DNA position 162, G replaced by C.
Molecular consequence: intron variant. On other transcripts: missense variant (1).
Genome position (GRCh38, 1-based): chr11:46,366,927, G>C. VCF-style: chr11-46366927-G-C. GRCh37 (hg19) VCF-style: chr11-46388477-G-C.
Other names: c.671G>C, p.Arg224Pro (NM_001105540.2); c.213-364G>C (NM_201532.3); c.177-364G>C (NM_201533.3); c.162-364G>C (NM_001199266.2, NM_003646.4, NM_001199268.2); short protein forms R224P.
Identifiers: ClinVar variation 4724982 (VCV004724982.1).

ClinVar aggregate classification (germline): Uncertain significance (1 of 4 stars; one submission).

Submission:

Labcorp Genetics (formerly Invitae), Labcorp
Classification: Uncertain significance. Last evaluated: 2025-08-07. Review status: criteria provided, single submitter. Criteria: Invitae Variant Classification Sherloc (09022015). Collection method: clinical testing. Allele origin: germline.
Comment: This sequence change replaces arginine, which is basic and polar, with proline, which is neutral and non-polar, at codon 224 of the DGKZ protein (p.Arg224Pro). This variant is not present in population databases (gnomAD no frequency). This variant has not been reported in the literature in individuals affected with DGKZ-related conditions. An algorithm developed to predict the effect of missense changes on protein structure and function (PolyPhen-2) suggests that this variant is likely to be disruptive. In summary, the available evidence is currently insufficient to determine the role of this variant in disease. Therefore, it has been classified as a Variant of Uncertain Significance.